The following is an entry in ClinVar:

ClinVar aggregate classification (germline): Uncertain significance (1 of 4 stars; one submission).

gnomAD v4.1: 3 of 1,612,448 alleles (0.00019%); highest among the groups gnomAD compares: East Asian, 0.0067%; no homozygotes.

Submission:

Women's Health and Genetics/Laboratory Corporation of America, LabCorp
Classification: Uncertain significance. Last evaluated: 2023-07-25. Review status: criteria provided, single submitter. Criteria: LabCorp Variant Classification Summary - May 2015. Collection method: clinical testing. Allele origin: germline.
Comment: Variant summary: MEFV c.382G>C (p.Glu128Gln) results in a conservative amino acid change in the encoded protein sequence. Five of five in-silico tools predict a benign effect of the variant on protein function. The variant allele was found at a frequency of 8.1e-06 in 245820 control chromosomes. The available data on variant occurrences in the general population are insufficient to allow any conclusion about variant significance. c.382G>C has been reported in the literature in at least one individual affected with Familial Mediterranean Fever, without a second reported variant (e.g. Qin_2020). These report(s) do not provide unequivocal conclusions about association of the variant with Familial Mediterranean Fever. To our knowledge, no experimental evidence demonstrating an impact on protein function has been reported. The following publication has been ascertained in the context of this evaluation (PMID: 32115236). No submitters have cited clinical-significance assessments for this variant to ClinVar after 2014. Based on the evidence outlined above, the variant was classified as uncertain significance.

Literature cited by the submitters: PubMed 32115236.

NM_000243.3(MEFV):c.382G>C (p.Glu128Gln)

Gene: MEFV (MEFV innate immunity regulator, pyrin; minus strand). Cytogenetic location: 16p13.3.
Variant type: single nucleotide variant.
Coding change: c.382G>C on transcript NM_000243.3 (MANE Select); coding-DNA position 382, G replaced by C.
Protein change: p.Glu128Gln; replaces glutamic acid 128 with glutamine.
Molecular consequence: missense variant. On other transcripts: intron variant (1).
Genome position (GRCh38, 1-based): chr16:3,254,686, C>G on the plus strand (G>C on the coding strand, the complement: MEFV is on the minus strand). VCF-style: chr16-3254686-C-G. GRCh37 (hg19) VCF-style: chr16-3304686-C-G.
Other names: c.277+1625G>C (NM_001198536.2); short protein forms E128Q.
Identifiers: ClinVar variation 2577247 (VCV002577247.1), dbSNP rs368981831, ClinGen allele CA7860443.
Genomic context (GRCh38, chr16:3,254,686, plus strand): 5'-CGGGCTGGCTGCACCGCAGGCTGGCAGCTCCGCCCCCGTACGGCCGAGGGCCGTTCCCCT[C>G]GTTCCCCTCGGGGTGGTCTGGAGTCTTCAGGCTCCTGGGCTTGTTCTCCCCCAGGGAGCT-3'
Protein context (NP_000234.1, residues 118-138): LKTPDHPEGN[Glu128Gln]GNGPRPYGGG